The following is an entry in ClinVar:

NM_001112741.2(KCNC1):c.1717A>G (p.Ile573Val)

Gene: KCNC1 (potassium voltage-gated channel subfamily C member 1; plus strand). Cytogenetic location: 11p15.1.
Variant type: single nucleotide variant.
Coding change: c.1717A>G on transcript NM_001112741.2 (MANE Select); coding-DNA position 1717, A replaced by G.
Protein change: p.Ile573Val; replaces isoleucine 573 with valine.
Molecular consequence: missense variant.
Genome position (GRCh38, 1-based): chr11:17,781,693, A>G. VCF-style: chr11-17781693-A-G. GRCh37 (hg19) VCF-style: chr11-17803240-A-G.
Other names: short protein forms I573V.
Identifiers: ClinVar variation 1326708 (VCV001326708.3), dbSNP rs2133811637, ClinGen allele CA379815708.
Genomic context (GRCh38, chr11:17,781,693, plus strand): 5'-GAGAAGCTCAAGTGTTAATTGTATTCTTTACATACAGATCTTTGCAAAGAAAGCCCTGTC[A>G]TTGCTAAGTATATGCCGACAGAGGCTGTGAGAGTGACTTGACCAGGCGGCTTGGCCGAGG-3'
Protein context (NP_001106212.1, residues 563-583): RKDLCKESPV[Ile573Val]AKYMPTEAVR

ClinVar aggregate classification (germline): Uncertain significance (1 of 4 stars; one submission).

Allele frequency attached by ClinVar (database versions not stated): gnomAD exomes below 0.00001.
gnomAD v4.1: 1 of 1,551,412 alleles (0.000064%); highest among the groups gnomAD compares: East Asian, 0.0024%; no homozygotes.

Submission:

GeneDx
Classification: Uncertain significance. Last evaluated: 2024-09-03. Review status: criteria provided, single submitter. Criteria: GeneDx Variant Classification Process June 2021. Collection method: clinical testing. Allele origin: germline. Affected: yes.
Comment: Not observed at significant frequency in large population cohorts (gnomAD); In silico analysis indicates that this missense variant does not alter protein structure/function; Has not been previously published as pathogenic or benign to our knowledge